The following is an entry in ClinVar:

ClinVar aggregate classification (germline): Uncertain significance (1 of 4 stars; one submission).

Conditions:
Long QT syndrome (LQTS). Identifiers: MedGen C0023976, MeSH D008133, MONDO:0002442. Disease mechanism: loss of function. Inheritance: Various modes of inheritance.

gnomAD v4.1: 2 of 1,613,962 alleles (0.00012%); highest among the groups gnomAD compares: Admixed American, 0.0017%; no homozygotes.

Submission:

Labcorp Genetics (formerly Invitae), Labcorp
Classification: Uncertain significance for Long QT syndrome. Last evaluated: 2025-01-08. Review status: criteria provided, single submitter. Criteria: Invitae Variant Classification Sherloc (09022015). Collection method: clinical testing. Allele origin: germline.
Comment: This sequence change replaces glycine, which is neutral and non-polar, with aspartic acid, which is acidic and polar, at codon 2990 of the ANK2 protein (p.Gly2990Asp). This variant is not present in population databases (gnomAD no frequency). This variant has not been reported in the literature in individuals affected with ANK2-related conditions. An algorithm developed to predict the effect of missense changes on protein structure and function outputs the following: PolyPhen-2: "Benign". The aspartic acid amino acid residue is found in multiple mammalian species, which suggests that this missense change does not adversely affect protein function. In summary, the available evidence is currently insufficient to determine the role of this variant in disease. Therefore, it has been classified as a Variant of Uncertain Significance.

NM_001148.6(ANK2):c.8969G>A (p.Gly2990Asp)

Gene: ANK2 (ankyrin 2; plus strand). Cytogenetic location: 4q26.
Variant type: single nucleotide variant.
Coding change: c.8969G>A on transcript NM_001148.6 (MANE Select); coding-DNA position 8969, G replaced by A.
Protein change: p.Gly2990Asp; replaces glycine 2990 with aspartic acid.
Molecular consequence: missense variant. On other transcripts: intron variant (68).
Genome position (GRCh38, 1-based): chr4:113,357,587, G>A. VCF-style: chr4-113357587-G-A. GRCh37 (hg19) VCF-style: chr4-114278743-G-A.
Other names: c.8735G>A, p.Gly2912Asp (NM_001386142.1); c.5369G>A, p.Gly1790Asp (NM_001386166.1); c.9110G>A, p.Gly3037Asp (NM_001386174.1); c.9086G>A, p.Gly3029Asp (NM_001386175.1); c.4412-3236G>A (NM_001386186.2, NM_001386148.2); c.4214-3236G>A (NM_001354269.3); c.4292-3236G>A (NM_001386187.2); c.4253-3236G>A (NM_001386147.1); and 35 more; short protein forms G1790D, G2912D, G2990D, G3029D, G3037D.
Identifiers: ClinVar variation 3628410 (VCV003628410.2).
Genomic context (GRCh38, chr4:113,357,587, plus strand): 5'-ACGTTGTAGTGGCAAGCTCCTCTAGTGGAACTGTTTTAAGCAAAGAATCTAATTTTGAGG[G>A]CCAGGACATAAAAATGGAATCCCAACAGGAAAGTACCTTGTGGGAAATGCAATCAGACAG-3'
Protein context (NP_001139.3, residues 2980-3000): TVLSKESNFE[Gly2990Asp]QDIKMESQQE